The following is an entry in ClinVar:

ClinVar aggregate classification (germline): Uncertain significance (1 of 4 stars; one submission).

Submission:

Women's Health and Genetics/Laboratory Corporation of America, LabCorp
Classification: Uncertain significance. Last evaluated: 2024-06-18. Review status: criteria provided, single submitter. Criteria: LabCorp Variant Classification Summary - May 2015. Collection method: clinical testing. Allele origin: germline.
Comment: Variant summary: The variant involves the duplication of exons 1-18 in the GFM1 gene. A presumed nomenclature of c.(?_-109)_(*4115_?)dup has been designated for the purposes of this classification. This duplication includes the entire coding sequence of the gene. As exact breakpoints are unknown, it may extend beyond the annotated region of the gene, to include other flanking genes. A large duplication (Size: 113 kbp, hg38 3:158592337-158705025) involving the GFM1 gene (and also affecting other flanking genes) was found at a frequency of 8.4e-05 in 462883 control chromosomes (i.e. 39 alleles) in the gnomAD database (CNVs v4.1 dataset; zygosity not specified in this dataset). This frequency is not higher than the estimated maximum expected for a pathogenic variant in GFM1 causing Combined Oxidative Phosphorylation Deficiency 1 (0.0011), allowing no conclusion about variant significance. To our knowledge, no occurrence of c.(?_-109)_(*4115_?)dup in individuals affected with Combined Oxidative Phosphorylation Deficiency 1 and no experimental evidence demonstrating its impact on protein function have been reported. ClinVar contains an entry for this variant (Variation ID: 2426907). Based on the evidence outlined above, the variant was classified as uncertain significance.

NC_000003.11:g.(?_158362315)_(158413371_?)dup

Genes: GFM1 (G elongation factor mitochondrial 1; plus strand), LXN (latexin; minus strand). Cytogenetic location: 3q25.32.
Variant type: Duplication.
Identifiers: ClinVar variation 3339993 (VCV003339993.1).